The following is an entry in ClinVar:

NM_001267550.2(TTN):c.99969C>T (p.Ile33323=)

Genes: TTN (titin; minus strand), TTN-AS1 (TTN antisense RNA 1; plus strand), LOC126806420 (BRD4-independent group 4 enhancer GRCh37_chr2:179401104-179402303; plus strand). Cytogenetic location: 2q31.2.
Variant type: single nucleotide variant.
Coding change: c.99969C>T on transcript NM_001267550.2 (MANE Select); coding-DNA position 99969, C replaced by T.
Protein change: p.Ile33323=; no amino-acid change (isoleucine 33323 retained).
Molecular consequence: synonymous variant.
Genome position (GRCh38, 1-based): chr2:178,537,140, G>A on the plus strand (C>T on the coding strand, the complement: TTN is on the minus strand). VCF-style: chr2-178537140-G-A. GRCh37 (hg19) VCF-style: chr2-179401867-G-A.
Other names: p.I31682I:ATC>ATT; c.95046C>T, p.Ile31682= (NM_001256850.1); c.72774C>T, p.Ile24258= (NM_003319.4); c.92265C>T, p.Ile30755= (NM_133378.4); c.73149C>T, p.Ile24383= (NM_133432.3); c.73350C>T, p.Ile24450= (NM_133437.4).
Identifiers: ClinVar variation 178160 (VCV000178160.27), dbSNP rs375403439, ClinGen allele CA295726.

ClinVar aggregate classification (germline): Benign/Likely benign. Review status: criteria provided, multiple submitters, no conflicts (2 of 4 stars). 11 submissions from 8 submitters: Benign (5); Likely benign (6). Last evaluated 2025-12-24.

Conditions:
TTN-related disorder. Also called: TTN-related disorders; TTN-related condition; TTN-related disease.
Cardiovascular phenotype. Identifiers: MedGen CN230736.
Dilated cardiomyopathy 1G (CMD1G). Identifiers: Orphanet 154, MedGen C1858763, MONDO:0011400, OMIM 604145.
Autosomal recessive limb-girdle muscular dystrophy type 2J (LGMDR10). Also called: MUSCULAR DYSTROPHY, LIMB-GIRDLE, AUTOSOMAL RECESSIVE 10; Limb-girdle muscular dystrophy, type 2J. Identifiers: Orphanet 140922, MedGen C1837342, MONDO:0012127, OMIM 608807.
Cardiomyopathy (CMYO). Also called: Cardiomyopathies. Identifiers: Orphanet 167848, MedGen C0878544, MONDO:0004994, HP:0001638. Inheritance: Various modes of inheritance.
Early-onset myopathy with fatal cardiomyopathy (CMYO5). Also called: CONGENITAL MYOPATHY 5 WITH CARDIOMYOPATHY; Salih Myopathy. Identifiers: Orphanet 289377, MedGen C2673677, MONDO:0012714, OMIM 611705. Disease mechanism: loss of function.
Myopathy, myofibrillar, 9, with early respiratory failure (MFM9). Also called: Hereditary myopathy with early respiratory failure; EDSTROM MYOPATHY; Myopathy, distal, with early respiratory failure, autosomal dominant; MYOPATHY, PROXIMAL, WITH EARLY RESPIRATORY MUSCLE INVOLVEMENT. Identifiers: Orphanet 178464, Orphanet 34521, MedGen C1863599, MONDO:0011362, OMIM 603689.
Tibial muscular dystrophy (TMD). Also called: Udd Distal Myopathy – Tibial Muscular Dystrophy; Tibial muscular dystrophy, tardive; UDD MYOPATHY. Identifiers: Orphanet 609, MedGen C1838244, MONDO:0010870, OMIM 600334.

Allele frequency attached by ClinVar (database versions not stated): gnomAD 0.00016 and 0.00015; gnomAD exomes 0.00002 and 0.00006; TOPMed 0.00018; ESP Exome Variant Server 0.00025; ExAC 0.00006.
gnomAD v4.1: 49 of 1,613,486 alleles (0.003%); highest among the groups gnomAD compares: African/African-American, 0.06%; no homozygotes.

Submissions (11):

Labcorp Genetics (formerly Invitae), Labcorp
Classification: Likely benign for Dilated cardiomyopathy 1G; Autosomal recessive limb-girdle muscular dystrophy type 2J. Last evaluated: 2025-12-24. Review status: criteria provided, single submitter. Criteria: Invitae Variant Classification Sherloc (09022015). Collection method: clinical testing. Allele origin: germline.

PreventionGenetics, part of Exact Sciences
Classification: Likely benign for TTN-related condition. Last evaluated: 2025-04-22. Review status: criteria provided, single submitter. Criteria: ACMG Guidelines, 2015. Collection method: clinical testing. Allele origin: germline.
Comment: This variant is classified as likely benign based on ACMG/AMP sequence variant interpretation guidelines (Richards et al. 2015 PMID: 25741868, with internal and published modifications).

Revvity Omics, Revvity
Classification: Likely benign. Last evaluated: 2024-01-17. Review status: criteria provided, single submitter. Criteria: ACMG Guidelines, 2015. Collection method: clinical testing. Allele origin: germline.

Genome-Nilou Lab
Classification: Benign for Autosomal recessive limb-girdle muscular dystrophy type 2J. Last evaluated: 2021-09-10. Review status: criteria provided, single submitter. Criteria: ACMG Guidelines, 2015. Collection method: clinical testing. Allele origin: germline. Affected: no.

Genome-Nilou Lab
Classification: Benign for Myopathy, myofibrillar, 9, with early respiratory failure. Last evaluated: 2021-09-10. Review status: criteria provided, single submitter. Criteria: ACMG Guidelines, 2015. Collection method: clinical testing. Allele origin: germline. Affected: no.

Genome-Nilou Lab
Classification: Benign for Early-onset myopathy with fatal cardiomyopathy. Last evaluated: 2021-09-10. Review status: criteria provided, single submitter. Criteria: ACMG Guidelines, 2015. Collection method: clinical testing. Allele origin: germline. Affected: no.

Genome-Nilou Lab
Classification: Benign for Tibial muscular dystrophy. Last evaluated: 2021-09-10. Review status: criteria provided, single submitter. Criteria: ACMG Guidelines, 2015. Collection method: clinical testing. Allele origin: germline. Affected: no.

Ambry Genetics
Classification: Likely benign for Cardiovascular phenotype. Last evaluated: 2020-08-31. Review status: criteria provided, single submitter. Criteria: Ambry Variant Classification Scheme 2023. Collection method: clinical testing. Allele origin: germline.

CHEO Genetics Diagnostic Laboratory, Children's Hospital of Eastern Ontario
Classification: Likely benign for Cardiomyopathy. Last evaluated: 2016-06-14. Review status: criteria provided, single submitter. Criteria: ACMG Guidelines, 2015. Collection method: clinical testing. Allele origin: germline. Study: Canadian Open Genetics Repository.

GeneDx
Classification: Benign. Last evaluated: 2014-09-04. Review status: criteria provided, single submitter. Criteria: GeneDx Variant Classification (06012015). Collection method: clinical testing. Allele origin: germline. Affected: yes.
Comment: This variant is considered likely benign or benign based on one or more of the following criteria: it is a conservative change, it occurs at a poorly conserved position in the protein, it is predicted to be benign by multiple in silico algorithms, and/or has population frequency not consistent with disease.

Laboratory for Molecular Medicine, Mass General Brigham Personalized Medicine
Classification: Likely benign. Last evaluated: 2012-03-19. Review status: criteria provided, single submitter. Criteria: LMM Criteria. Collection method: clinical testing. Allele origin: germline. Observed: 1 variant allele.
Comment: Ile30755Ile in exon 305 of TTN: This variant is not expected to have clinical si gnificance because it does not alter an amino acid residue and is not located wi thin the splice consensus sequence. It has been identified in 0.1% (2/3136) of A frican American chromosomes from a broad population by the NHLBI Exome Sequencin g Project.